The following is an entry in ClinVar:

NM_000628.5(IL10RB):c.710C>T (p.Ala237Val)

Genes: IFNAR2-IL10RB (IFNAR2-IL10RB readthrough; plus strand), IL10RB (interleukin 10 receptor subunit beta; plus strand). Cytogenetic location: 21q22.11.
Variant type: single nucleotide variant.
Coding change: c.710C>T on transcript NM_000628.5 (MANE Select); coding-DNA position 710, C replaced by T.
Protein change: p.Ala237Val; replaces alanine 237 with valine.
Molecular consequence: missense variant. On other transcripts: non-coding transcript variant (1), intron variant (1).
Genome position (GRCh38, 1-based): chr21:33,288,167, C>T. VCF-style: chr21-33288167-C-T. GRCh37 (hg19) VCF-style: chr21-34660472-C-T.
Other names: c.1370C>T, p.Ala457Val (NM_001414505.1); c.710C>T, p.Ala237Val (NM_001405849.1, NM_001405850.1); c.646+4926C>T (NM_001406840.1); short protein forms A237V, A457V.
Identifiers: ClinVar variation 3682113 (VCV003682113.2).

ClinVar aggregate classification (germline): Uncertain significance (1 of 4 stars; one submission).

Conditions:
Inflammatory bowel disease 25. Also called: Inflammatory bowel disease 25, early onset, autosomal recessive. Identifiers: Orphanet 238569, MedGen C2675508, MONDO:0012941, OMIM 612567.

Submission:

Labcorp Genetics (formerly Invitae), Labcorp
Classification: Uncertain significance for Inflammatory bowel disease 25. Last evaluated: 2024-02-20. Review status: criteria provided, single submitter. Criteria: Invitae Variant Classification Sherloc (09022015). Collection method: clinical testing. Allele origin: germline.
Comment: This sequence change replaces alanine, which is neutral and non-polar, with valine, which is neutral and non-polar, at codon 237 of the IL10RB protein (p.Ala237Val). This variant is not present in population databases (gnomAD no frequency). This variant has not been reported in the literature in individuals affected with IL10RB-related conditions. Advanced modeling of protein sequence and biophysical properties (such as structural, functional, and spatial information, amino acid conservation, physicochemical variation, residue mobility, and thermodynamic stability) performed at Invitae indicates that this missense variant is not expected to disrupt IL10RB protein function with a negative predictive value of 80%. In summary, the available evidence is currently insufficient to determine the role of this variant in disease. Therefore, it has been classified as a Variant of Uncertain Significance.